The following is an entry in ClinVar:

NM_078629.4(MSL3):c.911G>A (p.Ser304Asn)

Gene: MSL3 (MSL complex subunit 3; plus strand). Cytogenetic location: Xp22.2.
Variant type: single nucleotide variant.
Coding change: c.911G>A on transcript NM_078629.4 (MANE Select); coding-DNA position 911, G replaced by A.
Protein change: p.Ser304Asn; replaces serine 304 with asparagine.
Molecular consequence: missense variant.
Genome position (GRCh38, 1-based): chrX:11,765,469, G>A. VCF-style: chrX-11765469-G-A. GRCh37 (hg19) VCF-style: chrX-11783588-G-A.
Other names: c.875G>A, p.Ser292Asn (NM_001193270.2); c.464G>A, p.Ser155Asn (NM_001282174.1); c.413G>A, p.Ser138Asn (NM_006800.4); c.911G>A, p.Ser304Asn (NM_078628.2); short protein forms S138N, S155N, S292N, S304N.
Identifiers: ClinVar variation 3899671 (VCV003899671.1).

ClinVar aggregate classification (germline): Uncertain significance (1 of 4 stars; one submission).

gnomAD v4.1: 1 of 1,184,485 alleles (0.000084%); highest among the groups gnomAD compares: Non-Finnish European, 0.00011%; no homozygotes.

Submission:

GeneDx
Classification: Uncertain significance. Last evaluated: 2024-11-15. Review status: criteria provided, single submitter. Criteria: GeneDx Variant Classification Process June 2021. Collection method: clinical testing. Allele origin: germline. Affected: yes.
Comment: Not observed at significant frequency in large population cohorts (gnomAD); In silico analysis indicates that this missense variant does not alter protein structure/function; Has not been previously published as pathogenic or benign to our knowledge